The following is an entry in ClinVar:

NM_024675.4(PALB2):c.1223A>G (p.Tyr408Cys)

Gene: PALB2 (partner and localizer of BRCA2; minus strand). Cytogenetic location: 16p12.2.
Variant type: single nucleotide variant.
Coding change: c.1223A>G on transcript NM_024675.4 (MANE Select); coding-DNA position 1223, A replaced by G.
Protein change: p.Tyr408Cys; replaces tyrosine 408 with cysteine.
Molecular consequence: missense variant.
Genome position (GRCh38, 1-based): chr16:23,635,323, T>C on the plus strand (A>G on the coding strand, the complement: PALB2 is on the minus strand). VCF-style: chr16-23635323-T-C. GRCh37 (hg19) VCF-style: chr16-23646644-T-C.
Other names: short protein forms Y408C.
Identifiers: ClinVar variation 863470 (VCV000863470.16), dbSNP rs779251679, ClinGen allele CA7963722.

ClinVar aggregate classification (germline): Uncertain significance. Review status: criteria provided, multiple submitters, no conflicts (2 of 4 stars). 4 submissions from 4 submitters: Uncertain significance (4). Last evaluated 2026-01-15.

Conditions:
Hereditary cancer-predisposing syndrome. Also called: Hereditary Cancer Syndrome; Tumor predisposition; Neoplastic Syndromes, Hereditary; Hereditary neoplastic syndrome. Identifiers: Orphanet 140162, MedGen C0027672, MeSH D009386, MONDO:0015356.
Familial cancer of breast. Also called: Hereditary breast cancer; BREAST CANCER, FAMILIAL; hereditary breast carcinoma. Identifiers: Orphanet 227535, MedGen C0346153, MONDO:0016419, OMIM 114480. Disease mechanism: loss of function.

Allele frequency attached by ClinVar (database versions not stated): gnomAD exomes below 0.00001 and 0.00001; ExAC 0.00001.
gnomAD v4.1: 4 of 1,614,102 alleles (0.00025%); highest among the groups gnomAD compares: Non-Finnish European, 0.00034%; no homozygotes.

Submissions (4):

Labcorp Genetics (formerly Invitae), Labcorp
Classification: Uncertain significance for Familial cancer of breast. Last evaluated: 2026-01-15. Review status: criteria provided, single submitter. Criteria: Invitae Variant Classification Sherloc (09022015). Collection method: clinical testing. Allele origin: germline.
Comment: This sequence change replaces tyrosine, which is neutral and polar, with cysteine, which is neutral and slightly polar, at codon 408 of the PALB2 protein (p.Tyr408Cys). This variant is present in population databases (rs779251679, gnomAD 0.0009%). This variant has not been reported in the literature in individuals affected with PALB2-related conditions. ClinVar contains an entry for this variant (Variation ID: 863470). Invitae Evidence Modeling of protein sequence and biophysical properties (such as structural, functional, and spatial information, amino acid conservation, physicochemical variation, residue mobility, and thermodynamic stability) indicates that this missense variant is expected to disrupt PALB2 protein function with a positive predictive value of 80%. In summary, the available evidence is currently insufficient to determine the role of this variant in disease. Therefore, it has been classified as a Variant of Uncertain Significance.

Neuberg Centre For Genomic Medicine, NCGM
Classification: Uncertain significance for Familial cancer of breast. Last evaluated: 2023-05-20. Review status: criteria provided, single submitter. Criteria: ACMG Guidelines, 2015. Collection method: clinical testing. Allele origin: germline. Inheritance: Autosomal dominant inheritance. Affected: yes.
Comment: The observed missense c.1223A>G (p.Tyr408Cys) variant in PALB2 gene has not been reported previously as a pathogenic variant nor as a benign variant, to our knowledge. The p.Tyr408Cys variant is present with allele frequency of 0.0004% in gnomAD Exomes. This variant has been submitted to the ClinVar database as Uncertain Significance. Multiple lines of computational evidence (Polyphen - Probably Damaging, SIFT - Damaging and MutationTaster - Disease casuing) predict a damaging effect on protein structure and function for this variant. The reference amino acid of p.Tyr408Cys in PALB2 is predicted as conserved by GERP++ and PhyloP across 100 vertebrates. The amino acid Tyr at position 408 is changed to a Cys changing protein sequence and it might alter its composition and physico-chemical properties. For these reasons, this variant has been classified as a Variant of Uncertain Significance (VUS).

Color Diagnostics, LLC DBA Color Health
Classification: Uncertain significance for Hereditary cancer-predisposing syndrome. Last evaluated: 2022-11-07. Review status: criteria provided, single submitter. Criteria: ACMG Guidelines, 2015. Collection method: clinical testing. Allele origin: germline.
Comment: This missense variant replaces tyrosine with cysteine at codon 408 of the PALB2 protein. Computational prediction suggests that this variant may not impact protein structure and function (internally defined REVEL score threshold <= 0.5, PMID: 27666373). To our knowledge, functional studies have not been reported for this variant. This variant has been detected in a breast cancer case-control meta-analysis in 0/60466 cases and 1/53461 unaffected individuals (PMID: 33471991; Leiden Open Variation Database DB-ID PALB2_011061). This variant has been identified in 1/250894 chromosomes in the general population by the Genome Aggregation Database (gnomAD). The available evidence is insufficient to determine the role of this variant in disease conclusively. Therefore, this variant is classified as a Variant of Uncertain Significance.

Ambry Genetics
Classification: Uncertain significance for Hereditary cancer-predisposing syndrome. Last evaluated: 2020-03-16. Review status: criteria provided, single submitter. Criteria: Ambry Variant Classification Scheme 2023. Collection method: clinical testing. Allele origin: germline.

Literature cited by the submitters: PubMed 33471991 (cited by Color Diagnostics, LLC DBA Color Health).